The following is an entry in ClinVar:

NM_017514.5(PLXNA3):c.273C>A (p.Ala91=)

Gene: PLXNA3 (plexin A3; plus strand). Cytogenetic location: Xq28.
Variant type: single nucleotide variant.
Coding change: c.273C>A on transcript NM_017514.5 (MANE Select); coding-DNA position 273, C replaced by A.
Protein change: p.Ala91=; no amino-acid change (alanine 91 retained).
Molecular consequence: synonymous variant.
Genome position (GRCh38, 1-based): chrX:154,460,456, C>A. VCF-style: chrX-154460456-C-A. GRCh37 (hg19) VCF-style: chrX-153688796-C-A.
Identifiers: ClinVar variation 4987625 (VCV004987625.1).

ClinVar aggregate classification (germline): Likely benign (1 of 4 stars; one submission).

Conditions:
PLXNA3-related disorder. Also called: PLXNA3-related condition.

gnomAD v4.1: 1 of 1,204,052 alleles (0.000083%); highest among the groups gnomAD compares: South Asian, 0.0018%; no homozygotes.

Submission:

PreventionGenetics, part of Exact Sciences
Classification: Likely benign for PLXNA3-related condition. Last evaluated: 2026-08-07. Review status: criteria provided, single submitter. Criteria: ACMG Guidelines, 2015. Collection method: clinical testing. Allele origin: germline.
Comment: This variant is classified as likely benign based on ACMG/AMP sequence variant interpretation guidelines (Richards et al. 2015 PMID: 25741868, with internal and published modifications).